The following is an entry in ClinVar:

ClinVar aggregate classification (germline): Uncertain significance. Review status: criteria provided, multiple submitters, no conflicts (2 of 4 stars). 2 submissions from 2 submitters: Uncertain significance (2). Last evaluated 2025-03-31.

Conditions:
Ataxia-telangiectasia syndrome (AT). Also called: ATAXIA-TELANGIECTASIA, COMPLEMENTATION GROUP A; Ataxia-telangiectasia, complementation group E; Cerebello-oculocutaneous telangiectasia; Immunodeficiency with ataxia telangiectasia; LOUIS-BAR SYNDROME; ATAXIA-TELANGIECTASIA, FRESNO VARIANT. Identifiers: Orphanet 100, MedGen C0004135, MONDO:0008840, OMIM 208900.
Hereditary cancer-predisposing syndrome. Also called: Hereditary Cancer Syndrome; Tumor predisposition; Neoplastic Syndromes, Hereditary; Hereditary neoplastic syndrome. Identifiers: Orphanet 140162, MedGen C0027672, MeSH D009386, MONDO:0015356.

Allele frequency attached by ClinVar (database versions not stated): gnomAD exomes below 0.00001; ExAC 0.00001; gnomAD 0.00001; 1000 Genomes Project 30x 0.00016; 1000 Genomes Project 0.00020.
gnomAD v4.1: 3 of 1,613,160 alleles (0.00019%); highest among the groups gnomAD compares: Non-Finnish European, 0.00025%; no homozygotes.

Submissions (2):

Labcorp Genetics (formerly Invitae), Labcorp
Classification: Uncertain significance for Ataxia-telangiectasia syndrome. Last evaluated: 2025-03-31. Review status: criteria provided, single submitter. Criteria: Invitae Variant Classification Sherloc (09022015). Collection method: clinical testing. Allele origin: germline.
Comment: This sequence change replaces glutamic acid, which is acidic and polar, with lysine, which is basic and polar, at codon 708 of the ATM protein (p.Glu708Lys). This variant is present in population databases (rs183202787, gnomAD 0.0009%). This missense change has been observed in individual(s) with breast cancer (PMID: 30287823). ClinVar contains an entry for this variant (Variation ID: 3232297). An algorithm developed to predict the effect of missense changes on protein structure and function (PolyPhen-2) suggests that this variant is likely to be tolerated. In summary, the available evidence is currently insufficient to determine the role of this variant in disease. Therefore, it has been classified as a Variant of Uncertain Significance.

Ambry Genetics
Classification: Uncertain significance for Hereditary cancer-predisposing syndrome. Last evaluated: 2024-01-02. Review status: criteria provided, single submitter. Criteria: Ambry Variant Classification Scheme 2023. Collection method: clinical testing. Allele origin: germline.
Comment: The p.E708K variant (also known as c.2122G>A), located in coding exon 12 of the ATM gene, results from a G to A substitution at nucleotide position 2122. The glutamic acid at codon 708 is replaced by lysine, an amino acid with similar properties. This amino acid position is well conserved in available vertebrate species. In addition, this alteration is predicted to be tolerated by in silico analysis. Since supporting evidence is limited at this time, the clinical significance of this alteration remains unclear.

Literature cited by the submitters: PubMed 30287823 (cited by Labcorp Genetics (formerly Invitae), Labcorp).

NM_000051.4(ATM):c.2122G>A (p.Glu708Lys)

Gene: ATM (ATM serine/threonine kinase; plus strand). Cytogenetic location: 11q22.3.
Variant type: single nucleotide variant.
Coding change: c.2122G>A on transcript NM_000051.4 (MANE Select); coding-DNA position 2122, G replaced by A.
Protein change: p.Glu708Lys; replaces glutamic acid 708 with lysine.
Molecular consequence: missense variant.
Genome position (GRCh38, 1-based): chr11:108,254,037, G>A. VCF-style: chr11-108254037-G-A. GRCh37 (hg19) VCF-style: chr11-108124764-G-A.
Other names: c.2122G>A, p.Glu708Lys (NM_001351834.2); short protein forms E708K.
Identifiers: ClinVar variation 3232297 (VCV003232297.1), dbSNP rs183202787, ClinGen allele CA6264931.